The following is an entry in ClinVar:

ClinVar aggregate classification (germline): Conflicting classifications of pathogenicity. Review status: criteria provided, conflicting classifications (1 of 4 stars). 3 submissions from 3 submitters: Likely pathogenic (1); Uncertain significance (2). Last evaluated 2025-01-16.

Conditions:
TTN-related myopathy. Identifiers: MedGen CN294812, MONDO:0100175.
Dilated cardiomyopathy 1G (CMD1G). Identifiers: Orphanet 154, MedGen C1858763, MONDO:0011400, OMIM 604145.
Autosomal recessive limb-girdle muscular dystrophy type 2J (LGMDR10). Also called: Limb-girdle muscular dystrophy, type 2J; MUSCULAR DYSTROPHY, LIMB-GIRDLE, AUTOSOMAL RECESSIVE 10. Identifiers: Orphanet 140922, MedGen C1837342, MONDO:0012127, OMIM 608807.

Allele frequency attached by ClinVar (database versions not stated): gnomAD exomes below 0.00001.

Submissions (3):

GeneDx
Classification: Uncertain significance. Last evaluated: 2025-01-16. Review status: criteria provided, single submitter. Criteria: GeneDx Variant Classification Process June 2021. Collection method: clinical testing. Allele origin: germline. Affected: yes.
Comment: Not observed at significant frequency in large population cohorts (gnomAD); Frameshift variant predicted to result in protein truncation or nonsense mediated decay in a gene or region of a gene for which loss of function is not a well-established mechanism of disease; Has not been previously published as pathogenic or benign to our knowledge

Labcorp Genetics (formerly Invitae), Labcorp
Classification: Likely pathogenic for Dilated cardiomyopathy 1G; Autosomal recessive limb-girdle muscular dystrophy type 2J. Last evaluated: 2024-10-18. Review status: criteria provided, single submitter. Criteria: Invitae Variant Classification Sherloc (09022015). Collection method: clinical testing. Allele origin: germline.
Comment: This sequence change creates a premature translational stop signal (p.Val6394Leufs*9) in the TTN gene. While this is not anticipated to result in nonsense mediated decay, it is expected to create a truncated TTN protein. This variant is not present in population databases (gnomAD no frequency). This variant has not been reported in the literature in individuals affected with TTN-related conditions. ClinVar contains an entry for this variant (Variation ID: 565602). This variant is located in the I band of TTN (PMID: 25589632). Truncating variants in this region have been reported in individuals affected with autosomal recessive centronuclear myopathy (PMID: 23975875, internal data). Truncating variants in this region have also been identified in individuals affected with autosomal dominant dilated cardiomyopathy and/or cardio-related conditions (PMID: 27869827, 32964742, internal data). In summary, the currently available evidence indicates that the variant is pathogenic, but additional data are needed to prove that conclusively. Therefore, this variant has been classified as Likely Pathogenic.

Department of Pathology and Laboratory Medicine, Sinai Health System
Classification: Uncertain significance for TTN-related myopathy. Last evaluated: 2021-07-30. Review status: criteria provided, single submitter. Criteria: ACMG Guidelines, 2015. Collection method: research. Allele origin: germline.

Literature cited by the submitters: PubMed 25589632 (cited by Labcorp Genetics (formerly Invitae), Labcorp); PubMed 23975875 (cited by Labcorp Genetics (formerly Invitae), Labcorp); PubMed 27869827 (cited by Labcorp Genetics (formerly Invitae), Labcorp); PubMed 32964742 (cited by Labcorp Genetics (formerly Invitae), Labcorp).

NM_001267550.2(TTN):c.19180del (p.Val6394fs)

Gene: TTN (titin; minus strand). Cytogenetic location: 2q31.2.
Variant type: Deletion.
Coding change: c.19180del on transcript NM_001267550.2 (MANE Select); coding-DNA position 19180, one base deleted (G; older notation c.19180delG).
Protein change: p.Val6394fs; shifts the reading frame from valine 6394.
Molecular consequence: frameshift variant. On other transcripts: intron variant (3).
Genome position (GRCh38, 1-based): chr2:178,728,746, C deleted on the plus strand (G on the coding strand, the reverse complement: TTN is on the minus strand). VCF-style (leftmost placement, unchanged base first): chr2-178728745-AC-A. GRCh37 (hg19) VCF-style: chr2-179593472-AC-A.
Other names: c.19180del (NM_001267550.1); c.19180delG (NM_001267550.2); c.18229del, p.Val6077fs (NM_001256850.1); c.15448del, p.Val5150fs (NM_133378.4); c.13282+9336del (NM_003319.4); c.13858+9336del (NM_133437.4); c.13657+9336del (NM_133432.3); short protein forms V6394fs, V6077fs, V5150fs.
Identifiers: ClinVar variation 565602 (VCV000565602.11), dbSNP rs1560763939, ClinGen allele CA891843006.
Genomic context (GRCh38, chr2:178,728,745, plus strand): 5'-AGTTCTGGTGTTCCAGCCACAACACATTCCAAGGTCATGGGATCTTTCTCCGTAACATCA[AC>A]TGATTTAGCTTTCTCTACGATTTGAGCTGGTTCTGTAGTAAAAATGAAAATGTGGATGAG-3'